The following is an entry in ClinVar:

NM_004656.4(BAP1):c.580+1G>T

Gene: BAP1 (BRCA1 associated deubiquitinase 1; minus strand). Cytogenetic location: 3p21.1.
Variant type: single nucleotide variant.
Coding change: c.580+1G>T on transcript NM_004656.4 (MANE Select); the canonical splice donor site of the intron after coding-DNA position 580, G replaced by T.
Molecular consequence: splice donor variant.
Genome position (GRCh38, 1-based): chr3:52,407,173, C>A on the plus strand (G>T on the coding strand, the complement: BAP1 is on the minus strand). VCF-style: chr3-52407173-C-A. GRCh37 (hg19) VCF-style: chr3-52441189-C-A.
Other names: c.580+1G>T (NM_001410772.1).
Identifiers: ClinVar variation 825982 (VCV000825982.4), dbSNP rs1553645785, ClinGen allele CA353109321.

ClinVar aggregate classification (germline): Likely pathogenic (1 of 4 stars; one submission).

Conditions:
Hereditary cancer-predisposing syndrome. Also called: Neoplastic Syndromes, Hereditary; Tumor predisposition; Hereditary neoplastic syndrome; Hereditary Cancer Syndrome. Identifiers: Orphanet 140162, MedGen C0027672, MeSH D009386, MONDO:0015356.

Submission:

Ambry Genetics
Classification: Likely pathogenic for Hereditary cancer-predisposing syndrome. Last evaluated: 2018-10-20. Review status: criteria provided, single submitter. Criteria: Ambry Variant Classification Scheme 2023. Collection method: clinical testing. Allele origin: germline.
Comment: The c.580+1G>T intronic variant results from a G to T substitution one nucleotide after coding exon 7 of the BAP1 gene. This nucleotide position is highly conserved in available vertebrate species. Using two different splice site prediction tools, this alteration is predicted to abolish the native splice donor site by BDGP, and to weaken (but not abolish) the efficiency of the native splice donor site by ESEfinder; however, direct evidence is unavailable. Alterations that disrupt the canonical splice site are expected to cause aberrant splicing, resulting in an abnormal protein or a transcript that is subject to nonsense-mediated mRNA decay. As such, this alteration is classified as likely pathogenic.